The following is an entry in ClinVar:

ClinVar aggregate classification (germline): Uncertain significance (1 of 4 stars; one submission).

Submission:

CeGaT Center for Human Genetics Tuebingen
Classification: Uncertain significance. Last evaluated: 2025-05-01. Review status: criteria provided, single submitter. Criteria: CeGaT Center For Human Genetics Tuebingen Variant Classification Criteria Version 2. Collection method: clinical testing. Allele origin: germline. Affected: yes. Observed: 1 variant allele.
Comment: CEP85L: PM2, BP4

NM_001042475.3(CEP85L):c.1559C>A (p.Thr520Asn)

Gene: CEP85L (centrosomal protein 85L; minus strand). Cytogenetic location: 6q22.31.
Variant type: single nucleotide variant.
Coding change: c.1559C>A on transcript NM_001042475.3 (MANE Select); coding-DNA position 1559, C replaced by A.
Protein change: p.Thr520Asn; replaces threonine 520 with asparagine.
Molecular consequence: missense variant.
Genome position (GRCh38, 1-based): chr6:118,483,737, G>T on the plus strand (C>A on the coding strand, the complement: CEP85L is on the minus strand). VCF-style: chr6-118483737-G-T. GRCh37 (hg19) VCF-style: chr6-118804900-G-T.
Other names: c.1568C>A, p.Thr523Asn (NM_001178035.2); short protein forms T520N, T523N.
Identifiers: ClinVar variation 3905865 (VCV003905865.10).